The following is an entry in ClinVar:

ClinVar aggregate classification (germline): Likely pathogenic (1 of 4 stars; one submission).

Conditions:
Glycogen storage disease type III (GSD3). Also called: FORBES DISEASE; Cori disease. Identifiers: Orphanet 366, MedGen C0017922, MONDO:0009291, OMIM 232400.

Submission:

Myriad Genetics, Inc.
Classification: Likely pathogenic for Glycogen storage disease type III. Last evaluated: 2022-01-17. Review status: criteria provided, single submitter. Criteria: Myriad Women's Health Autosomal Recessive and X-Linked Classification Criteria (2021). Collection method: clinical testing. Allele origin: unknown.
Comment: NM_000642.2(AGL):c.3090_3091delTC(Q1031Efs*38) is expected to be pathogenic in the context of glycogen storage disease type III. This variant is predicted to lead to an abnormal or absent protein product due to the creation of a premature termination codon in AGL, a gene where loss-of-function variants are known to be pathogenic. Please note: this variant was assessed in the context of healthy population screening.

NM_000642.3(AGL):c.3090_3091del (p.Gln1031fs)

Gene: AGL (amylo-alpha-1,6-glucosidase and 4-alpha-glucanotransferase; plus strand). Cytogenetic location: 1p21.2.
Variant type: Deletion.
Coding change: c.3090_3091del on transcript NM_000642.3 (MANE Select); coding-DNA positions 3090 to 3091, 2 bases deleted (TC; older notation c.3090_3091delTC).
Protein change: p.Gln1031fs; shifts the reading frame from glutamine 1031.
Molecular consequence: frameshift variant.
Genome position (GRCh38, 1-based): chr1:99,892,438-99,892,439, TC deleted. VCF-style (leftmost placement, unchanged base first): chr1-99892437-TTC-T. GRCh37 (hg19) VCF-style: chr1-100357993-TTC-T.
Other names: c.3090_3091delTC, p.Gln1031Glufs (NM_000028.3, NM_000643.3, NM_000644.3 and 1 more transcripts); c.3042_3043delTC, p.Gln1015Glufs (NM_000646.3); c.3069_3070delTC, p.Gln1024Glufs (NM_001425326.1); c.2889_2890delTC, p.Gln964Glufs (NM_001425327.1); c.2886_2887delTC, p.Gln963Glufs (NM_001425328.1); c.2751_2752delTC, p.Gln918Glufs (NM_001425329.1); c.2712_2713delTC, p.Gln905Glufs (NM_001425332.1); short protein forms Q1015fs, Q1031fs.
Identifiers: ClinVar variation 1723968 (VCV001723968.2), dbSNP rs2524730925, ClinGen allele CA2580063376.
Genomic context (GRCh38, chr1:99,892,437, plus strand): 5'-AAACTGCTAAAAATTGTATTTCTACAAGTAATAAATTCAATCACTTTTGTTACAGCTTTG[TTC>T]AGAATGGTTCAACCTTTGTGAAACACCTTTCATTGGGTTCAGTTCAACTGTGTGGAGTAG-3'